The following is an entry in ClinVar:

ClinVar aggregate classification (germline): Uncertain significance (1 of 4 stars; one submission).

Allele frequency attached by ClinVar (database versions not stated): gnomAD exomes below 0.00001.
gnomAD v4.1: 3 of 1,614,178 alleles (0.00019%); highest among the groups gnomAD compares: Non-Finnish European, 0.000085%; no homozygotes.

Submission:

Labcorp Genetics (formerly Invitae), Labcorp
Classification: Uncertain significance. Last evaluated: 2024-01-12. Review status: criteria provided, single submitter. Criteria: Invitae Variant Classification Sherloc (09022015). Collection method: clinical testing. Allele origin: germline.
Comment: This sequence change replaces glycine, which is neutral and non-polar, with aspartic acid, which is acidic and polar, at codon 721 of the ZMIZ1 protein (p.Gly721Asp). This variant is not present in population databases (gnomAD no frequency). This variant has not been reported in the literature in individuals affected with ZMIZ1-related conditions. Advanced modeling of protein sequence and biophysical properties (such as structural, functional, and spatial information, amino acid conservation, physicochemical variation, residue mobility, and thermodynamic stability) performed at Invitae indicates that this missense variant is not expected to disrupt ZMIZ1 protein function with a negative predictive value of 80%. In summary, the available evidence is currently insufficient to determine the role of this variant in disease. Therefore, it has been classified as a Variant of Uncertain Significance.

NM_020338.4(ZMIZ1):c.2162G>A (p.Gly721Asp)

Gene: ZMIZ1 (zinc finger MIZ-type containing 1; plus strand). Cytogenetic location: 10q22.3.
Variant type: single nucleotide variant.
Coding change: c.2162G>A on transcript NM_020338.4 (MANE Select); coding-DNA position 2162, G replaced by A.
Protein change: p.Gly721Asp; replaces glycine 721 with aspartic acid.
Molecular consequence: missense variant.
Genome position (GRCh38, 1-based): chr10:79,304,051, G>A. VCF-style: chr10-79304051-G-A. GRCh37 (hg19) VCF-style: chr10-81063808-G-A.
Other names: short protein forms G721D.
Identifiers: ClinVar variation 2704343 (VCV002704343.3), dbSNP rs1854519331, ClinGen allele CA377341256.